The following is an entry in ClinVar:

NM_000548.5(TSC2):c.1077C>A (p.Asp359Glu)

Gene: TSC2 (TSC complex subunit 2; plus strand). Cytogenetic location: 16p13.3.
Variant type: single nucleotide variant.
Coding change: c.1077C>A on transcript NM_000548.5 (MANE Select); coding-DNA position 1077, C replaced by A.
Protein change: p.Asp359Glu; replaces aspartic acid 359 with glutamic acid.
Molecular consequence: missense variant.
Genome position (GRCh38, 1-based): chr16:2,060,771, C>A. VCF-style: chr16-2060771-C-A. GRCh37 (hg19) VCF-style: chr16-2110772-C-A.
Other names: c.1077C>A, p.Asp359Glu (NM_001370405.1, NM_001406663.1, NM_001406664.1 and 6 more transcripts); c.1167C>A, p.Asp389Glu (NM_001406667.1, NM_001406668.1); c.966C>A, p.Asp322Glu (NM_001406670.1, NM_001318827.2, NM_001406678.1); c.1065C>A, p.Asp355Glu (NM_001406671.1, NM_001406673.1); c.930C>A, p.Asp310Glu (NM_001406675.1, NM_001318829.2, NM_001406676.1 and 1 more transcripts); c.477C>A, p.Asp159Glu (NM_001318831.2, NM_001406680.1, NM_001406682.1 and 6 more transcripts); c.1110C>A, p.Asp370Glu (NM_001318832.2); c.1020C>A, p.Asp340Glu (NM_001406677.1); and 4 more; short protein forms D159E, D322E, D205E, D359E, D355E, D370E, D310E, D340E.
Identifiers: ClinVar variation 1785123 (VCV001785123.7), dbSNP rs1555500558, ClinGen allele CA394318044.

ClinVar aggregate classification (germline): Uncertain significance. Review status: criteria provided, multiple submitters, no conflicts (2 of 4 stars). 2 submissions from 2 submitters: Uncertain significance (2). Last evaluated 2024-08-19.

Conditions:
Hereditary cancer-predisposing syndrome. Also called: Tumor predisposition; Neoplastic Syndromes, Hereditary; Hereditary Cancer Syndrome; Hereditary neoplastic syndrome. Identifiers: Orphanet 140162, MedGen C0027672, MeSH D009386, MONDO:0015356.
Tuberous sclerosis 2 (TSC2). Identifiers: Orphanet 805, MedGen C1860707, MONDO:0013199, OMIM 613254.

Submissions (2):

Labcorp Genetics (formerly Invitae), Labcorp
Classification: Uncertain significance for Tuberous sclerosis 2. Last evaluated: 2024-08-19. Review status: criteria provided, single submitter. Criteria: Invitae Variant Classification Sherloc (09022015). Collection method: clinical testing. Allele origin: germline.
Comment: This sequence change replaces aspartic acid, which is acidic and polar, with glutamic acid, which is acidic and polar, at codon 359 of the TSC2 protein (p.Asp359Glu). This variant is not present in population databases (gnomAD no frequency). This variant has not been reported in the literature in individuals affected with TSC2-related conditions. ClinVar contains an entry for this variant (Variation ID: 1785123). Invitae Evidence Modeling of protein sequence and biophysical properties (such as structural, functional, and spatial information, amino acid conservation, physicochemical variation, residue mobility, and thermodynamic stability) indicates that this missense variant is not expected to disrupt TSC2 protein function with a negative predictive value of 95%. In summary, the available evidence is currently insufficient to determine the role of this variant in disease. Therefore, it has been classified as a Variant of Uncertain Significance.

Ambry Genetics
Classification: Uncertain significance for Hereditary cancer-predisposing syndrome. Last evaluated: 2021-02-24. Review status: criteria provided, single submitter. Criteria: Ambry Variant Classification Scheme 2023. Collection method: clinical testing. Allele origin: germline.
Comment: The p.D359E variant (also known as c.1077C>A), located in coding exon 10 of the TSC2 gene, results from a C to A substitution at nucleotide position 1077. The aspartic acid at codon 359 is replaced by glutamic acid, an amino acid with highly similar properties. This amino acid position is highly conserved in available vertebrate species. In addition, this alteration is predicted to be deleterious by in silico analysis. Since supporting evidence is limited at this time, the clinical significance of this alteration remains unclear.